The following is an entry in ClinVar:

NM_000062.3(SERPING1):c.1446G>A (p.Trp482Ter)

Gene: SERPING1 (serpin family G member 1; plus strand). Cytogenetic location: 11q12.1.
Variant type: single nucleotide variant.
Coding change: c.1446G>A on transcript NM_000062.3 (MANE Select); coding-DNA position 1446, G replaced by A.
Protein change: p.Trp482Ter; replaces tryptophan 482 with a stop codon.
Molecular consequence: nonsense.
Genome position (GRCh38, 1-based): chr11:57,614,524, G>A. VCF-style: chr11-57614524-G-A. GRCh37 (hg19) VCF-style: chr11-57381997-G-A.
Other names: c.1446G>A, p.Trp482Ter (NM_001032295.2); short protein forms W482*.
Identifiers: ClinVar variation 690351 (VCV000690351.2), dbSNP rs1590831545, ClinGen allele CA380690846.

ClinVar aggregate classification (germline): Pathogenic (1 of 4 stars; one submission).

Conditions:
Hereditary angioedema type 1 (HAE1). Identifiers: Orphanet 100050, Orphanet 100051, Orphanet 91378, MedGen C2717906, MONDO:0015053, OMIM 106100.

Submission:

Department of Immunology and Histocompatibility, University of Thessaly
Classification: Pathogenic for Hereditary angioedema type 1. Review status: criteria provided, single submitter. Criteria: ACMG Guidelines, 2015. Collection method: clinical testing. Allele origin: germline. Affected: yes. Observed: 4 variant alleles.
Comment: The c.1446G>A (p.Trp482Ter) variant has been previously reported in association with hereditary angioedema in the literature (Blanch et al., 2002, Speletas et al., 2015, Loules et al., 2018) and in HAE database. It causes interruption of the reading frame by the formation of a termination codon which results in a truncated protein. It was detected by our laboratory in 2 male and 2 female C1-INH HAE Type I patients, members of a greek family. It was not detected in 2 healthy family members that were also tested. It has never been detected in approximately 120000 individuals of the Exome Aggregation Consortium (ExAC), indicating that it is not a common variant. Taking all the above into account and according to ACMG Guidelines (Criteria: PVS1, PS1, PM2, PM4, PP1, PP4, PP5) the variant is considered pathogenic.

Literature cited by the submitters: PubMed 29753808.